The following is an entry in ClinVar:

NM_015047.3(EMC1):c.654G>A (p.Pro218=)

Genes: EMC1 (ER membrane protein complex subunit 1; minus strand), EMC1-AS1 (EMC1 antisense RNA 1; plus strand). Cytogenetic location: 1p36.13.
Variant type: single nucleotide variant.
Coding change: c.654G>A on transcript NM_015047.3 (MANE Select); coding-DNA position 654, G replaced by A.
Protein change: p.Pro218=; no amino-acid change (proline 218 retained).
Molecular consequence: synonymous variant. On other transcripts: non-coding transcript variant (1).
Genome position (GRCh38, 1-based): chr1:19,240,429, C>T on the plus strand (G>A on the coding strand, the complement: EMC1 is on the minus strand). VCF-style: chr1-19240429-C-T. GRCh37 (hg19) VCF-style: chr1-19566923-C-T.
Other names: c.654G>A, p.Pro218= (NM_001271427.2, NM_001271428.2, NM_001375820.1 and 1 more transcripts); c.588G>A, p.Pro196= (NM_001271429.2).
Identifiers: ClinVar variation 730975 (VCV000730975.10), dbSNP rs148466209, ClinGen allele CA652829.

ClinVar aggregate classification (germline): Likely benign. Review status: criteria provided, multiple submitters, no conflicts (2 of 4 stars). 3 submissions from 3 submitters: Likely benign (2). 1 of the submissions does not count toward it. Last evaluated 2025-12-30.

Conditions:
EMC1-related disorder. Also called: EMC1-related condition.

Allele frequency attached by ClinVar (database versions not stated): ESP Exome Variant Server 0.00008; TOPMed 0.00009; ExAC 0.00010; gnomAD exomes 0.00010; gnomAD 0.00013 and 0.00014.

Submissions (3):

Labcorp Genetics (formerly Invitae), Labcorp
Classification: Likely benign. Last evaluated: 2025-12-30. Review status: criteria provided, single submitter. Criteria: Invitae Variant Classification Sherloc (09022015). Collection method: clinical testing. Allele origin: germline.

Blueprint Genetics
Classification: Likely benign. Last evaluated: 2024-10-04. Review status: criteria provided, single submitter. Criteria: ACMG Guidelines, 2015. Collection method: clinical testing. Allele origin: germline.

PreventionGenetics, part of Exact Sciences
Classification: Likely benign for EMC1-related condition. Last evaluated: 2019-03-19. Review status: no assertion criteria provided. Collection method: clinical testing. Allele origin: germline. Not counted in ClinVar's aggregate classification.
Comment: This variant is classified as likely benign based on ACMG/AMP sequence variant interpretation guidelines (Richards et al. 2015 PMID: 25741868, with internal and published modifications).